The following is an entry in ClinVar:

ClinVar aggregate classification (germline): Uncertain significance. Review status: criteria provided, multiple submitters, no conflicts (2 of 4 stars). 3 submissions from 3 submitters: Uncertain significance (3). Last evaluated 2025-09-02.

Allele frequency attached by ClinVar (database versions not stated): ExAC 0.00001; gnomAD exomes 0.00001 and 0.00003; TOPMed 0.00002; gnomAD 0.00003.
gnomAD v4.1: 57 of 1,600,780 alleles (0.0036%); highest among the groups gnomAD compares: South Asian, 0.0045%; no homozygotes.

Submissions (3):

Labcorp Genetics (formerly Invitae), Labcorp
Classification: Uncertain significance. Last evaluated: 2025-09-02. Review status: criteria provided, single submitter. Criteria: Invitae Variant Classification Sherloc (09022015). Collection method: clinical testing. Allele origin: germline.
Comment: This sequence change replaces serine, which is neutral and polar, with leucine, which is neutral and non-polar, at codon 568 of the RECQL protein (p.Ser568Leu). This variant is present in population databases (rs759728105, gnomAD 0.003%). This variant has not been reported in the literature in individuals affected with RECQL-related conditions. ClinVar contains an entry for this variant (Variation ID: 1063030). Invitae Evidence Modeling of protein sequence and biophysical properties (such as structural, functional, and spatial information, amino acid conservation, physicochemical variation, residue mobility, and thermodynamic stability) indicates that this missense variant is not expected to disrupt RECQL protein function with a negative predictive value of 80%. Algorithms developed to predict the effect of sequence changes on RNA splicing suggest that this variant may create or strengthen a splice site. In summary, the available evidence is currently insufficient to determine the role of this variant in disease. Therefore, it has been classified as a Variant of Uncertain Significance.

Ambry Genetics
Classification: Uncertain significance. Last evaluated: 2024-11-08. Review status: criteria provided, single submitter. Criteria: Ambry Variant Classification Scheme 2023. Collection method: clinical testing. Allele origin: germline.
Comment: The p.S568L variant (also known as c.1703C>T), located in coding exon 13 of the RECQL gene, results from a C to T substitution at nucleotide position 1703. The serine at codon 568 is replaced by leucine, an amino acid with dissimilar properties. This amino acid position is highly conserved in available vertebrate species. In addition, this alteration is predicted to be tolerated by in silico analysis. Since supporting evidence is limited at this time, the clinical significance of this alteration remains unclear.

GeneDx
Classification: Uncertain significance. Last evaluated: 2023-07-20. Review status: criteria provided, single submitter. Criteria: GeneDx Variant Classification Process June 2021. Collection method: clinical testing. Allele origin: germline. Affected: yes.
Comment: In silico analysis suggests this variant may impact gene splicing. In the absence of RNA/functional studies, the actual effect of this sequence change is unknown.; Not observed at significant frequency in large population cohorts (gnomAD); In silico analysis supports that this missense variant has a deleterious effect on protein structure/function; Has not been previously published as pathogenic or benign to our knowledge; Variants in candidate genes are classified as variants of uncertain significance in accordance with ACMG guidelines (Richards et al., 2015); This variant is associated with the following publications: (PMID: 23908689, 23908690, 27248010, 19151156)

NM_002907.4(RECQL):c.1703C>T (p.Ser568Leu)

Genes: PYROXD1 (pyridine nucleotide-disulphide oxidoreductase domain 1; plus strand), RECQL (RecQ like helicase; minus strand). Cytogenetic location: 12p12.1.
Variant type: single nucleotide variant.
Coding change: c.1703C>T on transcript NM_002907.4 (MANE Select); coding-DNA position 1703, C replaced by T.
Protein change: p.Ser568Leu; replaces serine 568 with leucine.
Molecular consequence: missense variant. On other transcripts: 3 prime UTR variant (3).
Genome position (GRCh38, 1-based): chr12:21,471,063, G>A on the plus strand (C>T on the coding strand, the complement: RECQL is on the minus strand). VCF-style: chr12-21471063-G-A. GRCh37 (hg19) VCF-style: chr12-21623997-G-A.
Other names: c.1703C>T, p.Ser568Leu (NM_032941.3); c.*2309G>A (NM_001350912.2, NM_001350913.2, NM_024854.5); short protein forms S568L.
Identifiers: ClinVar variation 1063030 (VCV001063030.16), dbSNP rs759728105, ClinGen allele CA6478671.